The following is an entry in ClinVar:

ClinVar aggregate classification (germline): Likely benign. Review status: criteria provided, multiple submitters, no conflicts (2 of 4 stars). 2 submissions from 2 submitters: Likely benign (2). Last evaluated 2026-05-13.

Conditions:
Neurofibromatosis, type 1 (NF1). Also called: Peripheral type neurofibromatosis; Neurofibromatosis, type I; VON RECKLINGHAUSEN DISEASE; NEUROFIBROMATOSIS, TYPE I, SOMATIC. Identifiers: Orphanet 636, MedGen C0027831, MONDO:0018975, OMIM 162200. Disease mechanism: loss of function.

Allele frequency attached by ClinVar (database versions not stated): gnomAD 0.00002; ExAC 0.00001; gnomAD exomes 0.00001; TOPMed 0.00001.
gnomAD v4.1: 16 of 1,613,990 alleles (0.00099%); highest among the groups gnomAD compares: African/African-American, 0.0027%; no homozygotes.

Submissions (2):

Myriad Genetics, Inc.
Classification: Likely benign for Neurofibromatosis, type 1. Last evaluated: 2026-05-13. Review status: criteria provided, single submitter. Criteria: Myriad Autosomal Dominant, Autosomal Recessive and X-Linked Classification Criteria (2023). Collection method: clinical testing. Allele origin: unknown.
Comment: This variant is considered likely benign. This variant is intronic and is not expected to impact mRNA splicing.

Labcorp Genetics (formerly Invitae), Labcorp
Classification: Likely benign for Neurofibromatosis, type 1. Last evaluated: 2025-11-22. Review status: criteria provided, single submitter. Criteria: Invitae Variant Classification Sherloc (09022015). Collection method: clinical testing. Allele origin: germline.

NM_001042492.3(NF1):c.7063-6T>C

Gene: NF1 (neurofibromin 1; plus strand). Cytogenetic location: 17q11.2.
Variant type: single nucleotide variant.
Coding change: c.7063-6T>C on transcript NM_001042492.3 (MANE Select); 6 bases into the intron before coding-DNA position 7063, T replaced by C.
Molecular consequence: intron variant.
Genome position (GRCh38, 1-based): chr17:31,343,003, T>C. VCF-style: chr17-31343003-T-C. GRCh37 (hg19) VCF-style: chr17-29670021-T-C.
Other names: c.7000-6T>C (NM_000267.4).
Identifiers: ClinVar variation 457819 (VCV000457819.11), dbSNP rs780593077, ClinGen allele CA8487495.